The following is an entry in ClinVar:

NC_000002.12:g.121530971A>T

Genes: CLASP1 (cytoplasmic linker associated protein 1; minus strand), CLASP1-AS1 (CLASP1 antisense RNA 1; plus strand), RNU4ATAC (RNA, U4atac small nuclear; plus strand). Cytogenetic location: 2q14.2.
Variant type: single nucleotide variant.
Molecular consequence: intron variant (on NM_001395891.1).
Genome position: GRCh38 VCF-style: chr2-121530971-A-T. GRCh37 (hg19) VCF-style: chr2-122288547-A-T.
Other names: c.196-646T>A (NM_001142274.2, NM_015282.3, NM_001378003.1 and 5 more transcripts).
Identifiers: ClinVar variation 1488819 (VCV001488819.6), dbSNP rs905829640, ClinGen allele CA428888123.
Genomic context (GRCh38, chr2:121,530,971, plus strand): 5'-CCAATGAGCGCATAGTGAGGGCAGTACTGCTAACGCCTGAACAACACACCCGCATCAACT[A>T]GAGCTTTTGCTTTATTTTGGTGCAATTTTTGGAAAAATGAAAACCTGTTTTCATAGACTT-3'

ClinVar aggregate classification (germline): Uncertain significance (1 of 4 stars; one submission).

Submission:

Labcorp Genetics (formerly Invitae), Labcorp
Classification: Uncertain significance. Last evaluated: 2024-07-10. Review status: criteria provided, single submitter. Criteria: Invitae Variant Classification Sherloc (09022015). Collection method: clinical testing. Allele origin: germline.
Comment: This variant occurs in the RNU4ATAC gene, which encodes an RNA molecule that does not result in a protein product. This variant is not present in population databases (gnomAD no frequency). This variant has not been reported in the literature in individuals affected with RNU4ATAC-related conditions. ClinVar contains an entry for this variant (Variation ID: 1488819). Experimental studies and prediction algorithms are not available or were not evaluated, and the functional significance of this variant is currently unknown. In summary, the available evidence is currently insufficient to determine the role of this variant in disease. Therefore, it has been classified as a Variant of Uncertain Significance.